The following is an entry in ClinVar:

NM_000334.4(SCN4A):c.5308G>A (p.Gly1770Arg)

Genes: GH-LCR (growth hormone locus control region; plus strand), SCN4A (sodium voltage-gated channel alpha subunit 4; minus strand). Cytogenetic location: 17q23.3.
Variant type: single nucleotide variant.
Coding change: c.5308G>A on transcript NM_000334.4 (MANE Select); coding-DNA position 5308, G replaced by A.
Protein change: p.Gly1770Arg; replaces glycine 1770 with arginine.
Molecular consequence: missense variant.
Genome position (GRCh38, 1-based): chr17:63,940,974, C>T on the plus strand (G>A on the coding strand, the complement: SCN4A is on the minus strand). VCF-style: chr17-63940974-C-T. GRCh37 (hg19) VCF-style: chr17-62018334-C-T.
Other names: short protein forms G1770R.
Identifiers: ClinVar variation 2819758 (VCV002819758.3), dbSNP rs1908503761, ClinGen allele CA400612917.
Genomic context (GRCh38, chr17:63,940,974, plus strand): 5'-GCGAGCTGCTGTTCCCATTCTCGTGGCCATACATCTTGCTCATGGTGTTGGCAAGCAGCC[C>T]CTCCTTCTCAGGGGCGTCATCCCCGCTGCCGTCGTGGCTGTGGCGGTACATGTAGGATGC-3'
Protein context (NP_000325.4, residues 1760-1780): GSGDDAPEKE[Gly1770Arg]LLANTMSKMY

ClinVar aggregate classification (germline): Uncertain significance (1 of 4 stars; one submission).

Conditions:
Hyperkalemic periodic paralysis. Also called: Familial hyperkalemic periodic paralysis; Gamstorp disease. Identifiers: Orphanet 682, MedGen C0238357, MONDO:0008224, OMIM 170500, HP:0007215.

Submission:

Labcorp Genetics (formerly Invitae), Labcorp
Classification: Uncertain significance for Hyperkalemic periodic paralysis. Last evaluated: 2023-10-14. Review status: criteria provided, single submitter. Criteria: Invitae Variant Classification Sherloc (09022015). Collection method: clinical testing. Allele origin: germline.
Comment: This sequence change replaces glycine, which is neutral and non-polar, with arginine, which is basic and polar, at codon 1770 of the SCN4A protein (p.Gly1770Arg). This variant is not present in population databases (gnomAD no frequency). This variant has not been reported in the literature in individuals affected with SCN4A-related conditions. Advanced modeling of protein sequence and biophysical properties (such as structural, functional, and spatial information, amino acid conservation, physicochemical variation, residue mobility, and thermodynamic stability) has been performed at Invitae for this missense variant, however the output from this modeling did not meet the statistical confidence thresholds required to predict the impact of this variant on SCN4A protein function. In summary, the available evidence is currently insufficient to determine the role of this variant in disease. Therefore, it has been classified as a Variant of Uncertain Significance.